The following is an entry in ClinVar:

NM_080680.3(COL11A2):c.2571G>T (p.Lys857Asn)

Gene: COL11A2 (collagen type XI alpha 2 chain; minus strand). Cytogenetic location: 6p21.32.
Variant type: single nucleotide variant.
Coding change: c.2571G>T on transcript NM_080680.3 (MANE Select); coding-DNA position 2571, G replaced by T.
Protein change: p.Lys857Asn; replaces lysine 857 with asparagine.
Molecular consequence: missense variant.
Genome position (GRCh38, 1-based): chr6:33,173,885, C>A on the plus strand (G>T on the coding strand, the complement: COL11A2 is on the minus strand). VCF-style: chr6-33173885-C-A. GRCh37 (hg19) VCF-style: chr6-33141662-C-A.
Other names: c.2250G>T, p.Lys750Asn (NM_080679.3); c.2313G>T, p.Lys771Asn (NM_080681.3); short protein forms K750N, K771N, K857N.
Identifiers: ClinVar variation 1721880 (VCV001721880.6), dbSNP rs2534960992, ClinGen allele CA363642947.

ClinVar aggregate classification (germline): Uncertain significance (1 of 4 stars; one submission).

Allele frequency attached by ClinVar (database versions not stated): gnomAD exomes below 0.00001.
gnomAD v4.1: 1 of 1,614,094 alleles (0.000062%); highest among the groups gnomAD compares: Non-Finnish European, 0.000085%; no homozygotes.

Submission:

Labcorp Genetics (formerly Invitae), Labcorp
Classification: Uncertain significance. Last evaluated: 2022-10-19. Review status: criteria provided, single submitter. Criteria: Invitae Variant Classification Sherloc (09022015). Collection method: clinical testing. Allele origin: germline.
Comment: Advanced modeling of protein sequence and biophysical properties (such as structural, functional, and spatial information, amino acid conservation, physicochemical variation, residue mobility, and thermodynamic stability) performed at Invitae indicates that this missense variant is not expected to disrupt COL11A2 protein function. This variant has not been reported in the literature in individuals affected with COL11A2-related conditions. This variant is not present in population databases (gnomAD no frequency). This sequence change replaces lysine, which is basic and polar, with asparagine, which is neutral and polar, at codon 857 of the COL11A2 protein (p.Lys857Asn). In summary, the available evidence is currently insufficient to determine the role of this variant in disease. Therefore, it has been classified as a Variant of Uncertain Significance.